The following is an entry in ClinVar:

ClinVar aggregate classification (germline): Likely benign (1 of 4 stars; one submission).

Allele frequency attached by ClinVar (database versions not stated): TOPMed below 0.00001.

Submission:

CeGaT Center for Human Genetics Tuebingen
Classification: Likely benign. Last evaluated: 2022-05-01. Review status: criteria provided, single submitter. Criteria: CeGaT Center For Human Genetics Tuebingen Variant Classification Criteria Version 2. Collection method: clinical testing. Allele origin: germline. Affected: yes. Observed: 1 variant allele.
Comment: SLC7A6OS: PM2:Supporting, BP4, BP7

NM_032178.3(SLC7A6OS):c.168C>T (p.His56=)

Gene: SLC7A6OS (solute carrier family 7 member 6 opposite strand; minus strand). Cytogenetic location: 16q22.1.
Variant type: single nucleotide variant.
Coding change: c.168C>T on transcript NM_032178.3 (MANE Select); coding-DNA position 168, C replaced by T.
Protein change: p.His56=; no amino-acid change (histidine 56 retained).
Molecular consequence: synonymous variant.
Genome position (GRCh38, 1-based): chr16:68,310,759, G>A on the plus strand (C>T on the coding strand, the complement: SLC7A6OS is on the minus strand). VCF-style: chr16-68310759-G-A. GRCh37 (hg19) VCF-style: chr16-68344662-G-A.
Identifiers: ClinVar variation 2646654 (VCV002646654.24), dbSNP rs2043497125, ClinGen allele CA496390040.